The following is an entry in ClinVar:

NM_001291303.3(FAT4):c.7213G>A (p.Gly2405Ser)

Gene: FAT4 (FAT atypical cadherin 4; plus strand). Cytogenetic location: 4q28.1.
Variant type: single nucleotide variant.
Coding change: c.7213G>A on transcript NM_001291303.3 (MANE Select); coding-DNA position 7213, G replaced by A.
Protein change: p.Gly2405Ser; replaces glycine 2405 with serine.
Molecular consequence: missense variant.
Genome position (GRCh38, 1-based): chr4:125,446,306, G>A. VCF-style: chr4-125446306-G-A. GRCh37 (hg19) VCF-style: chr4-126367461-G-A.
Other names: c.7213G>A, p.Gly2405Ser (NM_001291285.3); c.7207G>A, p.Gly2403Ser (NM_024582.6); c.7207G>A (NM_024582.5); short protein forms G2405S, G2403S.
Identifiers: ClinVar variation 2971846 (VCV002971846.2), dbSNP rs963194020, ClinGen allele CA104877872.
Genomic context (GRCh38, chr4:125,446,306, plus strand): 5'-GATATTAAAACTATATGACATATCCCTATTTCTGCTTTCTGCTTTAGTTATAGGATCATC[G>A]GTGGAAACTCTCAGTTCACGATCAACCCATCGACAGGACAAATCATCACCAGCGCATTGT-3'
Protein context (NP_001278232.1, residues 2395-2415): KNAVISYRII[Gly2405Ser]GNSQFTINPS

ClinVar aggregate classification (germline): Uncertain significance. Review status: criteria provided, multiple submitters, no conflicts (2 of 4 stars). 2 submissions from 2 submitters: Uncertain significance (2). Last evaluated 2024-03-28.

Conditions:
Van Maldergem syndrome 2 (VMLDS2). Identifiers: Orphanet 314679, MedGen C3809875, MONDO:0014242, OMIM 615546.
Hennekam lymphangiectasia-lymphedema syndrome 2 (HKLLS2). Identifiers: Orphanet 2136, MedGen C4014939, MONDO:0014454, OMIM 616006.

Submissions (2):

Fulgent Genetics
Classification: Uncertain significance for Van Maldergem syndrome 2; Hennekam lymphangiectasia-lymphedema syndrome 2. Last evaluated: 2024-03-28. Review status: criteria provided, single submitter. Criteria: ACMG Guidelines, 2015. Collection method: clinical testing. Allele origin: germline.

Labcorp Genetics (formerly Invitae), Labcorp
Classification: Uncertain significance. Last evaluated: 2023-01-15. Review status: criteria provided, single submitter. Criteria: Invitae Variant Classification Sherloc (09022015). Collection method: clinical testing. Allele origin: germline.
Comment: In summary, the available evidence is currently insufficient to determine the role of this variant in disease. Therefore, it has been classified as a Variant of Uncertain Significance. Advanced modeling of protein sequence and biophysical properties (such as structural, functional, and spatial information, amino acid conservation, physicochemical variation, residue mobility, and thermodynamic stability) performed at Invitae indicates that this missense variant is not expected to disrupt FAT4 protein function. This variant has not been reported in the literature in individuals affected with FAT4-related conditions. This variant is not present in population databases (gnomAD no frequency). This sequence change replaces glycine, which is neutral and non-polar, with serine, which is neutral and polar, at codon 2403 of the FAT4 protein (p.Gly2403Ser).